The following is an entry in ClinVar:

NM_015559.3(SETBP1):c.2506G>A (p.Ala836Thr)

Gene: SETBP1 (SET binding protein 1; plus strand). Cytogenetic location: 18q12.3.
Variant type: single nucleotide variant.
Coding change: c.2506G>A on transcript NM_015559.3 (MANE Select); coding-DNA position 2506, G replaced by A.
Protein change: p.Ala836Thr; replaces alanine 836 with threonine.
Molecular consequence: missense variant.
Genome position (GRCh38, 1-based): chr18:44,951,846, G>A. VCF-style: chr18-44951846-G-A. GRCh37 (hg19) VCF-style: chr18-42531811-G-A.
Other names: c.2506G>A, p.Ala836Thr (NM_001379141.1, NM_001379142.1, NM_001410862.1); short protein forms A836T.
Identifiers: ClinVar variation 2149939 (VCV002149939.4), dbSNP rs2511472153, ClinGen allele CA402321544.

ClinVar aggregate classification (germline): Uncertain significance (1 of 4 stars; one submission).

Allele frequency attached by ClinVar (database versions not stated): gnomAD exomes below 0.00001.
gnomAD v4.1: 1 of 1,614,032 alleles (0.000062%); highest among the groups gnomAD compares: Non-Finnish European, 0.000085%; no homozygotes.

Submission:

Labcorp Genetics (formerly Invitae), Labcorp
Classification: Uncertain significance. Last evaluated: 2021-12-24. Review status: criteria provided, single submitter. Criteria: Invitae Variant Classification Sherloc (09022015). Collection method: clinical testing. Allele origin: germline.
Comment: In summary, the available evidence is currently insufficient to determine the role of this variant in disease. Therefore, it has been classified as a Variant of Uncertain Significance. Algorithms developed to predict the effect of missense changes on protein structure and function (SIFT, PolyPhen-2, Align-GVGD) all suggest that this variant is likely to be disruptive. This variant has not been reported in the literature in individuals affected with SETBP1-related conditions. This variant is not present in population databases (gnomAD no frequency). This sequence change replaces alanine, which is neutral and non-polar, with threonine, which is neutral and polar, at codon 836 of the SETBP1 protein (p.Ala836Thr).